The following is an entry in ClinVar:

NM_030957.4(ADAMTS10):c.1798-6_1812del

Gene: ADAMTS10 (ADAM metallopeptidase with thrombospondin type 1 motif 10; minus strand). Cytogenetic location: 19p13.2.
Variant type: Deletion.
Coding change: c.1798-6_1812del on transcript NM_030957.4 (MANE Select); 6 bases into the intron before coding-DNA position 1798 through coding-DNA position 1812, 21 bases deleted (CCCCAGGACTGTCCCCCTGGC).
Molecular consequence: splice acceptor variant.
Genome position (GRCh38, 1-based): chr19:8,589,977-8,589,997, GCCAGGGGGACAGTCCTGGGG deleted on the plus strand (CCCCAGGACTGTCCCCCTGGC on the coding strand, the reverse complement: ADAMTS10 is on the minus strand); deleting any 21 consecutive bases within chr19:8,589,977-8,589,999 gives the same sequence; the c. name uses the placement nearest the transcript's 3' end. VCF-style (leftmost placement, unchanged base first): chr19-8589976-AGCCAGGGGGACAGTCCTGGGG-A. GRCh37 (hg19) VCF-style: chr19-8654860-AGCCAGGGGGACAGTCCTGGGG-A.
Other names: c.270-6_284del (NM_001282352.2).
Identifiers: ClinVar variation 2709386 (VCV002709386.3), dbSNP rs2512594998, ClinGen allele CA2697556268.
Genomic context (GRCh38, chr19:8,589,976, plus strand): 5'-ATTTCCCACGGAAAGGGATGCTGTCAAATTCAGAACACTGCACTTCTCTGAAGTCCTGGG[AGCCAGGGGGACAGTCCTGGGG>A]GCAGGAGAGGAGAGATGGAGGGAGGCCAGGCTTGGGGGGATGGAGTCAGAAAAGGGGTGC-3'

ClinVar aggregate classification (germline): Likely pathogenic (1 of 4 stars; one submission).

Submission:

Labcorp Genetics (formerly Invitae), Labcorp
Classification: Likely pathogenic. Last evaluated: 2024-01-14. Review status: criteria provided, single submitter. Criteria: Invitae Variant Classification Sherloc (09022015). Collection method: clinical testing. Allele origin: germline.
Comment: This variant results in the deletion of part of exon 16 of the ADAMTS10 gene. It is expected to disrupt RNA splicing. Variants that disrupt the donor or acceptor splice site typically lead to a loss of protein function (PMID: 16199547), and loss-of-function variants in ADAMTS10 are known to be pathogenic (PMID: 15368195, 18567016). This variant is not present in population databases (gnomAD no frequency). This variant has not been reported in the literature in individuals affected with ADAMTS10-related conditions. In summary, the currently available evidence indicates that the variant is pathogenic, but additional data are needed to prove that conclusively. Therefore, this variant has been classified as Likely Pathogenic.

Literature cited by the submitters: PubMed 16199547; PubMed 15368195; PubMed 18567016.